The following is an entry in ClinVar:

NM_006488.3(KHK):c.885T>C (p.Asp295=)

Genes: CGREF1 (cell growth regulator with EF-hand domain 1; minus strand), KHK (ketohexokinase; plus strand). Cytogenetic location: 2p23.3.
Variant type: single nucleotide variant.
Coding change: c.885T>C on transcript NM_006488.3 (MANE Select); coding-DNA position 885, T replaced by C.
Protein change: p.Asp295=; no amino-acid change (aspartic acid 295 retained).
Molecular consequence: synonymous variant. On other transcripts: 3 prime UTR variant (2).
Genome position (GRCh38, 1-based): chr2:27,099,738, T>C. VCF-style: chr2-27099738-T-C. GRCh37 (hg19) VCF-style: chr2-27322606-T-C.
Other names: c.*46A>G (NM_001166240.2); c.*123A>G (NM_001301324.2); c.885T>C, p.Asp295= (NM_000221.3).
Identifiers: ClinVar variation 896779 (VCV000896779.6), dbSNP rs144476131, ClinGen allele CA1569484.

ClinVar aggregate classification (germline): Likely benign (1 of 4 stars; one submission).

Conditions:
Essential fructosuria. Also called: KETOHEXOKINASE DEFICIENCY; HEPATIC FRUCTOKINASE DEFICIENCY. Identifiers: Orphanet 2056, MedGen C0268160, MONDO:0009252, OMIM 229800.

Allele frequency attached by ClinVar (database versions not stated): gnomAD exomes 0.00007 and 0.00027; 1000 Genomes Project 0.00080; ExAC 0.00033; gnomAD 0.00095 and 0.00098; TOPMed 0.00105; ESP Exome Variant Server 0.00123; 1000 Genomes Project 30x 0.00125.
gnomAD v4.1: 257 of 1,614,054 alleles (0.016%); highest among the groups gnomAD compares: African/African-American, 0.28%; 3 homozygotes.

Submission:

Illumina Laboratory Services, Illumina
Classification: Likely benign for Essential fructosuria. Last evaluated: 2018-01-13. Review status: criteria provided, single submitter. Criteria: ICSL Variant Classification Criteria 13 December 2019. Collection method: clinical testing. Allele origin: germline.
Comment: This variant was observed in the ICSL laboratory as part of a predisposition screen in an ostensibly healthy population. It had not been previously curated by ICSL or reported in the Human Gene Mutation Database (HGMD: prior to June 1st, 2018), and was therefore a candidate for classification through an automated scoring system. Utilizing variant allele frequency, disease prevalence and penetrance estimates, and inheritance mode, an automated score was calculated to assess if this variant is too frequent to cause the disease. Based on the score and internal cut-off values, a variant classified as likely benign is not then subjected to further curation. The score for this variant resulted in a classification of likely benign for this disease.